The following is an entry in ClinVar:

NM_205861.3(DHDDS):c.109C>T (p.Arg37Cys)

Gene: DHDDS (dehydrodolichyl diphosphate synthase subunit; plus strand). Cytogenetic location: 1p36.11.
Variant type: single nucleotide variant.
Coding change: c.109C>T on transcript NM_205861.3 (MANE Select); coding-DNA position 109, C replaced by T.
Protein change: p.Arg37Cys; replaces arginine 37 with cysteine.
Molecular consequence: missense variant. On other transcripts: 5 prime UTR variant (1).
Genome position (GRCh38, 1-based): chr1:26,438,213, C>T. VCF-style: chr1-26438213-C-T. GRCh37 (hg19) VCF-style: chr1-26764704-C-T.
Other names: c.109C>T, p.Arg37Cys (NM_001243564.2, NM_001243565.2, NM_024887.4); c.-194C>T (NM_001319959.2); c.109C>T (NM_205861.2); short protein forms R37C.
Identifiers: ClinVar variation 1214981 (VCV001214981.22), dbSNP rs1553121072, ClinGen allele CA339138670.
Genomic context (GRCh38, chr1:26,438,213, plus strand): 5'-CTTCCTATTCCACAGGCAGGCCCAATGCCGAAACACATTGCATTCATAATGGACGGGAAC[C>T]GTCGCTATGCCAAGAAGTGCCAGGTGGAGCGGCAGGAAGGCCACTCACAGGGCTTCAACA-3'
Protein context (NP_995583.1, residues 27-47): KHIAFIMDGN[Arg37Cys]RYAKKCQVER

ClinVar aggregate classification (germline): Pathogenic/Likely pathogenic. Review status: criteria provided, multiple submitters, no conflicts (2 of 4 stars). 10 submissions from 10 submitters: Pathogenic (8); Likely pathogenic (1). 1 of the submissions does not count toward it. Last evaluated 2025-11-25.

Conditions:
DHDDS-related disorders.
Developmental delay and seizures with or without movement abnormalities. Identifiers: MedGen C4693376, MONDO:0044326, OMIM 617836.
Retinitis pigmentosa 59 (RP59). Identifiers: Orphanet 791, MedGen C3151227, MONDO:0013468, OMIM 613861.

Submissions (10):

Institute of Medical Genetics and Applied Genomics, University Hospital Tübingen
Classification: Pathogenic for Developmental delay and seizures with or without movement abnormalities. Last evaluated: 2025-11-25. Review status: criteria provided, single submitter. Criteria: ACMG Guidelines, 2015. Collection method: clinical testing. Allele origin: germline. Inheritance: Autosomal dominant inheritance. Affected: yes.

Labcorp Genetics (formerly Invitae), Labcorp
Classification: Pathogenic for Retinitis pigmentosa 59. Last evaluated: 2025-06-22. Review status: criteria provided, single submitter. Criteria: Invitae Variant Classification Sherloc (09022015). Collection method: clinical testing. Allele origin: germline.
Comment: This sequence change replaces arginine, which is basic and polar, with cysteine, which is neutral and slightly polar, at codon 37 of the DHDDS protein (p.Arg37Cys). This variant is not present in population databases (gnomAD no frequency). This missense change has been observed in individual(s) with progressive myoclonus ataxia with generalized epilepsy (PMID: 34034154). In at least one individual the variant was observed to be de novo. ClinVar contains an entry for this variant (Variation ID: 1214981). Invitae Evidence Modeling of protein sequence and biophysical properties (such as structural, functional, and spatial information, amino acid conservation, physicochemical variation, residue mobility, and thermodynamic stability) indicates that this missense variant is expected to disrupt DHDDS protein function with a positive predictive value of 80%. This variant disrupts the p.Arg37 amino acid residue in DHDDS. Other variant(s) that disrupt this residue have been determined to be pathogenic (PMID: 29100083, 31780880). This suggests that this residue is clinically significant, and that variants that disrupt this residue are likely to be disease-causing. For these reasons, this variant has been classified as Pathogenic.

GeneDx
Classification: Pathogenic. Last evaluated: 2024-09-03. Review status: criteria provided, single submitter. Criteria: GeneDx Variant Classification Process June 2021. Collection method: clinical testing. Allele origin: germline. Affected: yes.
Comment: Not observed at significant frequency in large population cohorts (gnomAD); In silico analysis, which includes protein predictors and evolutionary conservation, supports a deleterious effect; This variant is associated with the following publications: (PMID: 37356182, 34382076, 34034154, 29100083, 31780880)

Fulgent Genetics
Classification: Pathogenic for Retinitis pigmentosa 59; Developmental delay and seizures with or without movement abnormalities. Last evaluated: 2024-02-14. Review status: criteria provided, single submitter. Criteria: ACMG Guidelines, 2015. Collection method: clinical testing. Allele origin: germline.

3billion
Classification: Pathogenic for Developmental delay and seizures with or without movement abnormalities. Last evaluated: 2023-10-23. Review status: criteria provided, single submitter. Criteria: ACMG Guidelines, 2015. Collection method: clinical testing. Allele origin: germline. Affected: yes.
Comment: The variant is not observed in the gnomAD v2.1.1 dataset. Predicted Consequence/Location: Missense variant In silico tool predictions suggest damaging effect of the variant on gene or gene product [REVEL: 0.68 (>=0.6, sensitivity 0.68 and specificity 0.92); 3Cnet: 0.95 (>=0.6, sensitivity 0.72 and precision 0.9)]. Same nucleotide change resulting in same amino acid change has been previously reported as pathogenic/likely pathogenic with strong evidence (ClinVar ID: VCV001214981 /PMID: 34034154). The variant has been previously reported as de novo in a similarly affected individual (PMID: 34034154). The variant has been observed in multiple (>3) similarly affected unrelated individuals (PMID: 34034154, 34382076, 34837344). The variant has been previously reported as assumed (i.e. paternity and maternity not confirmed) de novo in at least two similarly affected unrelated individuals (PMID: 34382076, 34837344). Different missense changes at the same codon (p.Arg37His, p.Arg37Ser) have been reported as pathogenic/likely pathogenic with strong evidence (ClinVar ID: VCV000451635, VCV000546177 /PMID: 29100083 /3billion dataset). Therefore, this variant is classified as Pathogenic according to the recommendation of ACMG/AMP guideline.

Blueprint Genetics
Classification: Pathogenic for DHDDS-related disorders. Last evaluated: 2023-09-25. Review status: criteria provided, single submitter. Criteria: ACMG Guidelines, 2015. Collection method: clinical testing. Allele origin: germline. Affected: yes. Observed: 1 variant allele.

Baylor Genetics
Classification: Pathogenic for Developmental delay and seizures with or without movement abnormalities. Last evaluated: 2023-06-09. Review status: criteria provided, single submitter. Criteria: ACMG Guidelines, 2015. Collection method: clinical testing. Allele origin: unknown.

Victorian Clinical Genetics Services, Murdoch Childrens Research Institute
Classification: Pathogenic for Developmental delay and seizures with or without movement abnormalities. Last evaluated: 2022-02-02. Review status: criteria provided, single submitter. Criteria: ACMG Guidelines, 2015. Collection method: clinical testing. Allele origin: germline. Inheritance: Autosomal dominant inheritance. Affected: yes.
Comment: Based on the classification scheme VCGS_Germline_v1.3.4, this variant is classified as Pathogenic. Following criteria are met: 0102 - Loss of function is a known mechanism of disease in this gene and is associated with retinitis pigmentosa 59 (MIM#613861) and congenital disorder of glycosylation, type 1bb (MIM#613861), however the association of this gene to these conditions is questionable (OMIM, PanelApp). This gene is strongly associated to developmental delay and seizures with or without movement abnormalities (MIM#617836), whereas missense variants resulting in a dominant negative or gain of function effect, are the suspected mechanisms of disease for this condition (PMID: 29100083, PMID: 33077723). (I) 0108 - This gene is associated with both recessive and dominant disease. Variants resulting in a premature termination codon and a founder missense variant within the Ashkenazi Jewish population have both been reported to cause a recessive condition (OMIM, PMID: 27343064). However, only missense variants have been reported for the dominant conditon (PMID: 29100083). (I) 0200 - Variant is predicted to result in a missense amino acid change from arginine to cysteine. (I) 0251 - This variant is heterozygous. (I) 0301 - Variant is absent from gnomAD (both v2 and v3). (SP) 0501 - Missense variant consistently predicted to be damaging by multiple in silico tools or highly conserved with a major amino acid change. (SP) 0600 - Variant is located in the annotated active site within the catalytic domain (PMID: 29100083, NCBI). (I) 0703 - Another missense variant comparable to the one identified in this case has moderate previous evidence for pathogenicity. An alternative change at this residue (p.Arg37His) has been reported as a VUS, but more recently as likely pathogenic (ClinVar), and has been observed in multiple de novo individuals with either epilepsy, developmental and epileptic encephalopathy, or epilepsy with intellectual disability (LOVD, PMID: 31308101, PMID: 29100083, PMID: 31780880, PMID: 27343064). Pathogenicity is also supported by functional studies (PMID: 33077723). Another missense variant (p.Arg37Ser) has also been reported as a VUS (ClinVar). (SP) 0803 - This variant has limited previous evidence of pathogenicity in an individual. This variant has been reported as pathogenic (LOVD), and was observed in a single heterozygous individual with epileptic encephalopathy (PMID: 27652284). (SP) 0905 - No published segregation evidence has been identified for this variant. (I) 1007 - No published functional evidence has been identified for this variant. (SP) Legend: (SP) - Supporting pathogenic, (I) - Information, (SB) - Supporting benign

Clinical Genetics Service, Universitary Hospital 12 de Octubre
Classification: Likely pathogenic for Developmental delay and seizures with or without movement abnormalities. Review status: criteria provided, single submitter. Criteria: ACMG Guidelines, 2015. Collection method: clinical testing. Allele origin: germline. Affected: yes.

Solve-RD Consortium
Classification: Likely pathogenic for Retinitis pigmentosa 59. Last evaluated: 2022-06-01. Review status: no assertion criteria provided. Collection method: provider interpretation. Allele origin: inherited. Affected: yes. Not counted in ClinVar's aggregate classification.
Comment: Variant confirmed as disease-causing by referring clinical team

Variant identified during reanalysis of unsolved cases by the Solve-RD project. The Solve-RD project has received funding from the European Union’s Horizon 2020 research and innovation programme under grant agreement No 779257.

Literature cited by the submitters: PubMed 34034154 (cited by Labcorp Genetics (formerly Invitae), Labcorp and 3billion); PubMed 29100083 (cited by 3 submitters); PubMed 31780880 (cited by Labcorp Genetics (formerly Invitae), Labcorp and Victorian Clinical Genetics Services, Murdoch Childrens Research Institute); PubMed 34382076 (cited by 3billion); PubMed 34837344 (cited by 3billion); PubMed 27343064 (cited by Victorian Clinical Genetics Services, Murdoch Childrens Research Institute); PubMed 27652284 (cited by Victorian Clinical Genetics Services, Murdoch Childrens Research Institute); PubMed 31308101 (cited by Victorian Clinical Genetics Services, Murdoch Childrens Research Institute); PubMed 33077723 (cited by Victorian Clinical Genetics Services, Murdoch Childrens Research Institute); PubMed 39825153 (cited by Solve-RD Consortium).